The following is an entry in ClinVar:

NM_000257.4(MYH7):c.3272A>G (p.Asn1091Ser)

Gene: MYH7 (myosin heavy chain 7; minus strand). Cytogenetic location: 14q11.2.
Variant type: single nucleotide variant.
Coding change: c.3272A>G on transcript NM_000257.4 (MANE Select); coding-DNA position 3272, A replaced by G.
Protein change: p.Asn1091Ser; replaces asparagine 1091 with serine.
Molecular consequence: missense variant.
Genome position (GRCh38, 1-based): chr14:23,421,022, T>C on the plus strand (A>G on the coding strand, the complement: MYH7 is on the minus strand). VCF-style: chr14-23421022-T-C. GRCh37 (hg19) VCF-style: chr14-23890231-T-C.
Other names: c.3272A>G, p.Asn1091Ser (NM_001407004.1); short protein forms N1091S.
Identifiers: ClinVar variation 2157448 (VCV002157448.3), dbSNP rs903645509, ClinGen allele CA257816463.

ClinVar aggregate classification (germline): Uncertain significance. Review status: criteria provided, multiple submitters, no conflicts (2 of 4 stars). 3 submissions from 3 submitters: Uncertain significance (3). Last evaluated 2025-06-09.

Conditions:
Hypertrophic cardiomyopathy. Also called: HYPERTROPHIC MYOCARDIOPATHY. Identifiers: Orphanet 217569, MedGen C0007194, MeSH D002312, MONDO:0005045, HP:0001639.
Cardiomyopathy (CMYO). Also called: Cardiomyopathies. Identifiers: Orphanet 167848, MedGen C0878544, MONDO:0004994, HP:0001638. Inheritance: Various modes of inheritance.
Cardiovascular phenotype. Identifiers: MedGen CN230736.

Allele frequency attached by ClinVar (database versions not stated): gnomAD 0.00001; TOPMed below 0.00001.
gnomAD v4.1: 1 of 1,612,872 alleles (0.000062%); highest among the groups gnomAD compares: African/African-American, 0.0013%; no homozygotes.

Submissions (3):

Color Diagnostics, LLC DBA Color Health
Classification: Uncertain significance for Cardiomyopathy. Last evaluated: 2025-06-09. Review status: criteria provided, single submitter. Criteria: ACMG Guidelines, 2015. Collection method: clinical testing. Allele origin: germline.
Comment: This missense variant replaces asparagine with serine at codon 1091 of the MYH7 protein. Computational prediction suggests that this variant may not impact protein structure and function. To our knowledge, functional studies have not been reported for this variant. This variant has not been reported in individuals affected with MYH7-related disorders in the literature. This variant has been identified in 1/31402 chromosomes in the general population by the Genome Aggregation Database (gnomAD). The available evidence is insufficient to determine the role of this variant in disease conclusively. Therefore, this variant is classified as a Variant of Uncertain Significance.

Ambry Genetics
Classification: Uncertain significance for Cardiovascular phenotype. Last evaluated: 2023-09-27. Review status: criteria provided, single submitter. Criteria: Ambry Variant Classification Scheme 2023. Collection method: clinical testing. Allele origin: germline.
Comment: The p.N1091S variant (also known as c.3272A>G), located in coding exon 24 of the MYH7 gene, results from an A to G substitution at nucleotide position 3272. The asparagine at codon 1091 is replaced by serine, an amino acid with highly similar properties. This amino acid position is not well conserved in available vertebrate species. In addition, this alteration is predicted to be tolerated by in silico analysis. Since supporting evidence is limited at this time, the clinical significance of this alteration remains unclear.

Labcorp Genetics (formerly Invitae), Labcorp
Classification: Uncertain significance for Hypertrophic cardiomyopathy. Last evaluated: 2022-06-01. Review status: criteria provided, single submitter. Criteria: Invitae Variant Classification Sherloc (09022015). Collection method: clinical testing. Allele origin: germline.
Comment: This sequence change replaces asparagine, which is neutral and polar, with serine, which is neutral and polar, at codon 1091 of the MYH7 protein (p.Asn1091Ser). The frequency data for this variant in the population databases is considered unreliable, as metrics indicate poor data quality at this position in the gnomAD database. This variant has not been reported in the literature in individuals affected with MYH7-related conditions. Algorithms developed to predict the effect of missense changes on protein structure and function are either unavailable or do not agree on the potential impact of this missense change (SIFT: "Deleterious"; PolyPhen-2: "Benign"; Align-GVGD: "Class C0"). In summary, the available evidence is currently insufficient to determine the role of this variant in disease. Therefore, it has been classified as a Variant of Uncertain Significance.